The following is an entry in ClinVar:

ClinVar aggregate classification (germline): Uncertain significance (1 of 4 stars; one submission).

Conditions:
Brachyolmia-amelogenesis imperfecta syndrome. Also called: Tooth agenesis, selective, 6; Dental anomalies and short stature; PLATYSPONDYLY WITH AMELOGENESIS IMPERFECTA. Identifiers: Orphanet 2899, MedGen C1832594, MONDO:0011018, OMIM 601216. Disease mechanism: loss of function.

Allele frequency attached by ClinVar (database versions not stated): TOPMed 0.00001.

Submission:

Labcorp Genetics (formerly Invitae), Labcorp
Classification: Uncertain significance for Brachyolmia-amelogenesis imperfecta syndrome. Last evaluated: 2023-11-28. Review status: criteria provided, single submitter. Criteria: Invitae Variant Classification Sherloc (09022015). Collection method: clinical testing. Allele origin: germline.
Comment: This sequence change replaces threonine, which is neutral and polar, with isoleucine, which is neutral and non-polar, at codon 769 of the LTBP3 protein (p.Thr769Ile). This variant is not present in population databases (gnomAD no frequency). This variant has not been reported in the literature in individuals affected with LTBP3-related conditions. ClinVar contains an entry for this variant (Variation ID: 2048482). An algorithm developed to predict the effect of missense changes on protein structure and function (PolyPhen-2) suggests that this variant is likely to be disruptive. In summary, the available evidence is currently insufficient to determine the role of this variant in disease. Therefore, it has been classified as a Variant of Uncertain Significance.

NM_001130144.3(LTBP3):c.2306C>T (p.Thr769Ile)

Genes: LTBP3 (latent transforming growth factor beta binding protein 3; minus strand), LOC130006029 (ATAC-STARR-seq lymphoblastoid silent region 3532; plus strand). Cytogenetic location: 11q13.1.
Variant type: single nucleotide variant.
Coding change: c.2306C>T on transcript NM_001130144.3 (MANE Select); coding-DNA position 2306, C replaced by T.
Protein change: p.Thr769Ile; replaces threonine 769 with isoleucine.
Molecular consequence: missense variant.
Genome position (GRCh38, 1-based): chr11:65,546,489, G>A on the plus strand (C>T on the coding strand, the complement: LTBP3 is on the minus strand). VCF-style: chr11-65546489-G-A. GRCh37 (hg19) VCF-style: chr11-65313960-G-A.
Other names: c.1955C>T, p.Thr652Ile (NM_001164266.1); c.2306C>T, p.Thr769Ile (NM_021070.4); short protein forms T652I, T769I.
Identifiers: ClinVar variation 2048482 (VCV002048482.4), dbSNP rs916383146, ClinGen allele CA223963538.